The following is an entry in ClinVar:

ClinVar aggregate classification (germline): Uncertain significance (1 of 4 stars; one submission).

Allele frequency attached by ClinVar (database versions not stated): gnomAD exomes below 0.00001; TOPMed below 0.00001.
gnomAD v4.1: 3 of 1,611,060 alleles (0.00019%); highest among the groups gnomAD compares: East Asian, 0.0022%; no homozygotes.

Submission:

Labcorp Genetics (formerly Invitae), Labcorp
Classification: Uncertain significance. Last evaluated: 2022-03-03. Review status: criteria provided, single submitter. Criteria: Invitae Variant Classification Sherloc (09022015). Collection method: clinical testing. Allele origin: germline.
Comment: Algorithms developed to predict the effect of missense changes on protein structure and function are either unavailable or do not agree on the potential impact of this missense change (SIFT: "Deleterious"; PolyPhen-2: "Benign"; Align-GVGD: "Class C0"). In summary, the available evidence is currently insufficient to determine the role of this variant in disease. Therefore, it has been classified as a Variant of Uncertain Significance. This variant has not been reported in the literature in individuals affected with WHRN-related conditions. This variant is present in population databases (no rsID available, gnomAD 0.007%). This sequence change replaces alanine, which is neutral and non-polar, with valine, which is neutral and non-polar, at codon 670 of the WHRN protein (p.Ala670Val).

NM_015404.4(WHRN):c.2009C>T (p.Ala670Val)

Gene: WHRN (whirlin; minus strand). Cytogenetic location: 9q32.
Variant type: single nucleotide variant.
Coding change: c.2009C>T on transcript NM_015404.4 (MANE Select); coding-DNA position 2009, C replaced by T.
Protein change: p.Ala670Val; replaces alanine 670 with valine.
Molecular consequence: missense variant.
Genome position (GRCh38, 1-based): chr9:114,406,582, G>A on the plus strand (C>T on the coding strand, the complement: WHRN is on the minus strand). VCF-style: chr9-114406582-G-A. GRCh37 (hg19) VCF-style: chr9-117168862-G-A.
Other names: c.860C>T, p.Ala287Val (NM_001083885.3); c.2009C>T, p.Ala670Val (NM_001173425.2); c.956C>T, p.Ala319Val (NM_001346890.1); short protein forms A319V, A670V, A287V.
Identifiers: ClinVar variation 1352255 (VCV001352255.8), dbSNP rs1378146164, ClinGen allele CA374620480.